The following is an entry in ClinVar:

NM_001378418.1(TCF20):c.5286G>A (p.Thr1762=)

Gene: TCF20 (transcription factor 20; minus strand). Cytogenetic location: 22q13.2.
Variant type: single nucleotide variant.
Coding change: c.5286G>A on transcript NM_001378418.1 (MANE Select); coding-DNA position 5286, G replaced by A.
Protein change: p.Thr1762=; no amino-acid change (threonine 1762 retained).
Molecular consequence: synonymous variant.
Genome position (GRCh38, 1-based): chr22:42,210,020, C>T on the plus strand (G>A on the coding strand, the complement: TCF20 is on the minus strand). VCF-style: chr22-42210020-C-T. GRCh37 (hg19) VCF-style: chr22-42606026-C-T.
Other names: c.5286G>A (NM_005650.3); c.5286G>A, p.Thr1762= (NM_005650.4, NM_181492.3).
Identifiers: ClinVar variation 2172531 (VCV002172531.5), dbSNP rs150304310, ClinGen allele CA10266507.
Genomic context (GRCh38, chr22:42,210,020, plus strand): 5'-TGCGGCCAGGCTTCTCTGCTCCTTCTGCTGCTGCTGCTGCTCTTCCTCCTCCTCAGTGTC[C>T]GTCTTGGAGCCATTAGAAGCACTTTTGTGCCGTACCTTAACTTTGCTCTGCATTTCTGTG-3'
Protein context (NP_001365347.1, residues 1752-1772): RHKSASNGSK[Thr1762=]DTEEEEEQQQ

ClinVar aggregate classification (germline): Likely benign. Review status: criteria provided, single submitter (1 of 4 stars). 2 submissions from 2 submitters: Likely benign (1). 1 of the submissions does not count toward it. Last evaluated 2025-07-23.

Conditions:
TCF20-related disorder. Also called: TCF20-related condition.

Allele frequency attached by ClinVar (database versions not stated): ExAC 0.00007; gnomAD 0.00012; ESP Exome Variant Server 0.00031; gnomAD exomes 0.00043.
gnomAD v4.1: 635 of 1,612,656 alleles (0.039%); highest among the groups gnomAD compares: Non-Finnish European, 0.052%; 2 homozygotes.

Submissions (2):

Labcorp Genetics (formerly Invitae), Labcorp
Classification: Likely benign. Last evaluated: 2025-07-23. Review status: criteria provided, single submitter. Criteria: Invitae Variant Classification Sherloc (09022015). Collection method: clinical testing. Allele origin: germline.

PreventionGenetics, part of Exact Sciences
Classification: Likely benign for TCF20-related condition. Last evaluated: 2024-04-13. Review status: no assertion criteria provided. Collection method: clinical testing. Allele origin: germline. Not counted in ClinVar's aggregate classification.
Comment: This variant is classified as likely benign based on ACMG/AMP sequence variant interpretation guidelines (Richards et al. 2015 PMID: 25741868, with internal and published modifications).